The following is an entry in ClinVar:

NM_001015877.2(PHF6):c.298C>T (p.His100Tyr)

Gene: PHF6 (PHD finger protein 6; plus strand). Cytogenetic location: Xq26.2.
Variant type: single nucleotide variant.
Coding change: c.298C>T on transcript NM_001015877.2 (MANE Select); coding-DNA position 298, C replaced by T.
Protein change: p.His100Tyr; replaces histidine 100 with tyrosine.
Molecular consequence: missense variant.
Genome position (GRCh38, 1-based): chrX:134,393,558, C>T. VCF-style: chrX-134393558-C-T. GRCh37 (hg19) VCF-style: chrX-133527588-C-T.
Other names: c.298C>T, p.His100Tyr (NM_032335.3, NM_032458.3); short protein forms H100Y.
Identifiers: ClinVar variation 3361107 (VCV003361107.1).
Genomic context (GRCh38, chrX:134,393,558, plus strand): 5'-TAGATGTGTTCTTTGTGCCATTGTCCTGGAGCAACAATTGGTTGTGATGTGAAAACATGT[C>T]ACAGGACATACCACTACCACTGTGCATTGCATGATAAAGCTCAAATACGAGAGAAACCTT-3'
Protein context (NP_001015877.1, residues 90-110): ATIGCDVKTC[His100Tyr]RTYHYHCALH

ClinVar aggregate classification (germline): Uncertain significance (1 of 4 stars; one submission).

gnomAD v4.1: 1 of 1,208,564 alleles (0.000083%); highest among the groups gnomAD compares: Non-Finnish European, 0.00011%; no homozygotes.

Submission:

GeneDx
Classification: Uncertain significance. Last evaluated: 2023-07-19. Review status: criteria provided, single submitter. Criteria: GeneDx Variant Classification Process June 2021. Collection method: clinical testing. Allele origin: germline. Affected: yes.
Comment: Not observed at significant frequency in large population cohorts (gnomAD); In silico analysis supports that this missense variant does not alter protein structure/function; Has not been previously published as pathogenic or benign to our knowledge